The following is an entry in ClinVar:

NM_002439.5(MSH3):c.530C>A (p.Ala177Glu)

Gene: MSH3 (mutS homolog 3; plus strand). Cytogenetic location: 5q14.1.
Variant type: single nucleotide variant.
Coding change: c.530C>A on transcript NM_002439.5 (MANE Select); coding-DNA position 530, C replaced by A.
Protein change: p.Ala177Glu; replaces alanine 177 with glutamic acid.
Molecular consequence: missense variant.
Genome position (GRCh38, 1-based): chr5:80,665,314, C>A. VCF-style: chr5-80665314-C-A. GRCh37 (hg19) VCF-style: chr5-79961133-C-A.
Other names: short protein forms A177E.
Identifiers: ClinVar variation 1024054 (VCV001024054.8), dbSNP rs778443399, ClinGen allele CA360264272.

ClinVar aggregate classification (germline): Uncertain significance (1 of 4 stars; one submission).

Submission:

Labcorp Genetics (formerly Invitae), Labcorp
Classification: Uncertain significance. Last evaluated: 2020-10-02. Review status: criteria provided, single submitter. Criteria: Invitae Variant Classification Sherloc (09022015). Collection method: clinical testing. Allele origin: germline.
Comment: In summary, the available evidence is currently insufficient to determine the role of this variant in disease. Therefore, it has been classified as a Variant of Uncertain Significance. Algorithms developed to predict the effect of missense changes on protein structure and function are either unavailable or do not agree on the potential impact of this missense change (SIFT: "Tolerated"; PolyPhen-2: "Possibly Damaging"; Align-GVGD: "Class C0"). This variant has not been reported in the literature in individuals with MSH3-related conditions. This variant is not present in population databases (ExAC no frequency). This sequence change replaces alanine with glutamic acid at codon 177 of the MSH3 protein (p.Ala177Glu). The alanine residue is moderately conserved and there is a moderate physicochemical difference between alanine and glutamic acid.